The following is an entry in ClinVar:

ClinVar aggregate classification (germline): Uncertain significance (1 of 4 stars; one submission).

Submission:

Labcorp Genetics (formerly Invitae), Labcorp
Classification: Uncertain significance. Last evaluated: 2024-01-24. Review status: criteria provided, single submitter. Criteria: Invitae Variant Classification Sherloc (09022015). Collection method: clinical testing. Allele origin: germline.
Comment: This sequence change replaces isoleucine, which is neutral and non-polar, with threonine, which is neutral and polar, at codon 143 of the SZT2 protein (p.Ile143Thr). This variant is not present in population databases (gnomAD no frequency). This variant has not been reported in the literature in individuals affected with SZT2-related conditions. ClinVar contains an entry for this variant (Variation ID: 2036219). Advanced modeling of protein sequence and biophysical properties (such as structural, functional, and spatial information, amino acid conservation, physicochemical variation, residue mobility, and thermodynamic stability) performed at Invitae indicates that this missense variant is not expected to disrupt SZT2 protein function with a negative predictive value of 80%. In summary, the available evidence is currently insufficient to determine the role of this variant in disease. Therefore, it has been classified as a Variant of Uncertain Significance.

NM_001365999.1(SZT2):c.428T>C (p.Ile143Thr)

Gene: SZT2 (SZT2 subunit of KICSTOR complex; plus strand). Cytogenetic location: 1p34.2.
Variant type: single nucleotide variant.
Coding change: c.428T>C on transcript NM_001365999.1 (MANE Select); coding-DNA position 428, T replaced by C.
Protein change: p.Ile143Thr; replaces isoleucine 143 with threonine.
Molecular consequence: missense variant.
Genome position (GRCh38, 1-based): chr1:43,404,480, T>C. VCF-style: chr1-43404480-T-C. GRCh37 (hg19) VCF-style: chr1-43870151-T-C.
Other names: c.428T>C, p.Ile143Thr (NM_015284.4); short protein forms I143T.
Identifiers: ClinVar variation 2036219 (VCV002036219.4), dbSNP rs2545769069, ClinGen allele CA339997563.